The following is an entry in ClinVar:

ClinVar aggregate classification (germline): Uncertain significance (1 of 4 stars; one submission).

Submission:

GeneDx
Classification: Uncertain significance. Last evaluated: 2024-01-16. Review status: criteria provided, single submitter. Criteria: GeneDx Variant Classification Process June 2021. Collection method: clinical testing. Allele origin: germline. Affected: yes.
Comment: Not observed at significant frequency in large population cohorts (gnomAD); Frameshift variant predicted to result in protein truncation or nonsense mediated decay in a gene or region of a gene for which loss of function is not a well-established mechanism of disease; Has not been previously published as pathogenic or benign to our knowledge

NM_001135146.2(SLC39A8):c.495del (p.Phe165fs)

Gene: SLC39A8 (solute carrier family 39 member 8; minus strand). Cytogenetic location: 4q24.
Variant type: Deletion.
Coding change: c.495del on transcript NM_001135146.2 (MANE Select); coding-DNA position 495, one base deleted (T; older notation c.495delT).
Protein change: p.Phe165fs; shifts the reading frame from phenylalanine 165.
Molecular consequence: frameshift variant.
Genome position (GRCh38, 1-based): chr4:102,307,493, A deleted on the plus strand (T on the coding strand, the reverse complement: SLC39A8 is on the minus strand); the first of 6 consecutive A bases (chr4:102,307,493-102,307,498); deleting any one gives the same sequence. VCF-style (leftmost placement, unchanged base first): chr4-102307492-CA-C. GRCh37 (hg19) VCF-style: chr4-103228649-CA-C.
Other names: c.495del, p.Phe165fs (NM_001135147.1, NM_022154.5); c.294del, p.Phe98fs (NM_001135148.2); short protein forms F165fs, F98fs.
Identifiers: ClinVar variation 3253136 (VCV003253136.1), dbSNP rs1734234506.